The following is an entry in ClinVar:

NM_003560.4(PLA2G6):c.1592G>T (p.Ser531Ile)

Gene: PLA2G6 (phospholipase A2 group VI; minus strand). Cytogenetic location: 22q13.1.
Variant type: single nucleotide variant.
Coding change: c.1592G>T on transcript NM_003560.4 (MANE Select); coding-DNA position 1592, G replaced by T.
Protein change: p.Ser531Ile; replaces serine 531 with isoleucine.
Molecular consequence: missense variant.
Genome position (GRCh38, 1-based): chr22:38,120,909, C>A on the plus strand (G>T on the coding strand, the complement: PLA2G6 is on the minus strand). VCF-style: chr22-38120909-C-A. GRCh37 (hg19) VCF-style: chr22-38516916-C-A.
Other names: c.1430G>T, p.Ser477Ile (NM_001004426.3, NM_001199562.3, NM_001349865.2 and 1 more transcripts); c.1592G>T, p.Ser531Ile (NM_001349864.2); c.1058G>T, p.Ser353Ile (NM_001349867.2); c.914G>T, p.Ser305Ile (NM_001349868.2); c.896G>T, p.Ser299Ile (NM_001349869.2); short protein forms S299I, S353I, S477I, S531I, S305I.
Identifiers: ClinVar variation 4987181 (VCV004987181.1).

ClinVar aggregate classification (germline): Uncertain significance (1 of 4 stars; one submission).

Conditions:
PLA2G6-related disorder. Also called: PLA2G6-related condition.

gnomAD v4.1: 1 of 1,613,454 alleles (0.000062%); highest among the groups gnomAD compares: Non-Finnish European, 0.000085%; no homozygotes.

Submission:

PreventionGenetics, part of Exact Sciences
Classification: Uncertain significance for PLA2G6-related condition. Last evaluated: 2025-10-03. Review status: criteria provided, single submitter. Criteria: ACMG Guidelines, 2015. Collection method: clinical testing. Allele origin: germline.
Comment: The PLA2G6 c.1592G>T variant is predicted to result in the amino acid substitution p.Ser531Ile. To our knowledge, this variant has not been reported in the literature. This variant is reported in 0.00088% of alleles in individuals of European (non-Finnish) descent in gnomAD. Although we suspect that this variant may be pathogenic, at this time, the clinical significance of this variant is uncertain due to the absence of conclusive functional and genetic evidence.